The following is an entry in ClinVar:

NM_153717.3(EVC):c.1618del (p.Leu540fs)

Gene: EVC (EvC ciliary complex subunit 1; plus strand). Cytogenetic location: 4p16.2.
Variant type: Deletion.
Coding change: c.1618del on transcript NM_153717.3 (MANE Select); coding-DNA position 1618, one base deleted (C; older notation c.1618delC).
Protein change: p.Leu540fs; shifts the reading frame from leucine 540.
Molecular consequence: frameshift variant.
Genome position (GRCh38, 1-based): chr4:5,783,606, C deleted; the last of 2 consecutive C bases (chr4:5,783,605-5,783,606); deleting either gives the same sequence. VCF-style (leftmost placement, unchanged base first): chr4-5783604-TC-T. GRCh37 (hg19) VCF-style: chr4-5785331-TC-T.
Other names: c.1618del (NM_153717.2); c.1618del, p.Leu540fs (NM_001306090.2); short protein forms L540fs.
Identifiers: ClinVar variation 2939125 (VCV002939125.4), dbSNP rs2476467657, ClinGen allele CA2740091186.
Genomic context (GRCh38, chr4:5,783,604, plus strand): 5'-CGCTCCAGGAGCTGTACTTCAGCACCGTGGACACTTTCCAGAAGTTCGTGGATGCCCTGT[TC>T]CTTCAGACGCTCCCTGGCATGACTGGCCTCCCCCCGGAAGAGTGTGACTACTTGAGGCAG-3'

ClinVar aggregate classification (germline): Pathogenic/Likely pathogenic. Review status: criteria provided, multiple submitters, no conflicts (2 of 4 stars). 2 submissions from 2 submitters: Pathogenic (1); Likely pathogenic (1). Last evaluated 2026-01-21.

Conditions:
Curry-Hall syndrome (WAD). Also called: WEYERS ACRODENTAL DYSOSTOSIS. Identifiers: Orphanet 952, MedGen C0457013, MONDO:0008673, OMIM 193530.
Ellis-van Creveld syndrome (EVC). Also called: EVC-Related Ellis-van Creveld Syndrome; EVC2-Related Ellis-van Creveld Syndrome; MESOECTODERMAL DYSPLASIA; Chondroectodermal dysplasia. Identifiers: Orphanet 289, MedGen C0013903, MONDO:0009162, OMIM 225500.

Submissions (2):

Natera, Inc.
Classification: Likely pathogenic for Ellis-van Creveld syndrome. Last evaluated: 2026-01-21. Review status: criteria provided, single submitter. Criteria: Natera Variant Classification Schema (03/2026). Collection method: clinical testing. Allele origin: germline.
Comment: The c.1618del variant in EVC is a frameshift variant predicted to shift the reading frame beginning at codon 540 and leads to a stop codon 7 codons downstream. This variant is expected to result in nonsense mediated decay, truncation, or a dysfunctional protein product. This variant is rare in the general population with a frequency below the threshold expected for the associated phenotype(s). Given the available evidence, this variant is classified as Likely Pathogenic.

Labcorp Genetics (formerly Invitae), Labcorp
Classification: Pathogenic for Curry-Hall syndrome; Ellis-van Creveld syndrome. Last evaluated: 2024-01-25. Review status: criteria provided, single submitter. Criteria: Invitae Variant Classification Sherloc (09022015). Collection method: clinical testing. Allele origin: germline.
Comment: This sequence change creates a premature translational stop signal (p.Leu540Phefs*7) in the EVC gene. It is expected to result in an absent or disrupted protein product. Loss-of-function variants in EVC are known to be pathogenic (PMID: 23220543). This variant is not present in population databases (gnomAD no frequency). This variant has not been reported in the literature in individuals affected with EVC-related conditions. For these reasons, this variant has been classified as Pathogenic.

Literature cited by the submitters: PubMed 23220543 (cited by Labcorp Genetics (formerly Invitae), Labcorp).